The following is an entry in ClinVar:

ClinVar aggregate classification (germline): Uncertain significance. Review status: criteria provided, multiple submitters, no conflicts (2 of 4 stars). 2 submissions from 2 submitters: Uncertain significance (2). Last evaluated 2024-10-01.

Conditions:
Neuronopathy, distal hereditary motor, type 7A. Also called: HARPER-YOUNG MYOPATHY; HMN VIIA; Neuronopathy, distal hereditary motor, type viia; NEURONOPATHY, DISTAL HEREDITARY MOTOR, HARDING TYPE VIIA; NEUROPATHY, DISTAL HEREDITARY MOTOR, HARDING TYPE VIIA; Neuronopathy, distal hereditary motor, autosomal dominant 7. Identifiers: Orphanet 139589, MedGen C1834703, MONDO:0008024, OMIM 158580.
Congenital myasthenic syndrome 20. Also called: Myasthenic syndrome, congenital, 20, presynaptic. Identifiers: MedGen C4310694, MONDO:0014939, OMIM 617143.
Inborn genetic diseases. Identifiers: MedGen C0950123, MeSH D030342.

Allele frequency attached by ClinVar (database versions not stated): gnomAD exomes below 0.00001; gnomAD 0.00001; TOPMed 0.00001.

Submissions (2):

Ambry Genetics
Classification: Uncertain significance for Inborn genetic diseases. Last evaluated: 2024-10-01. Review status: criteria provided, single submitter. Criteria: Ambry Variant Classification Scheme 2023. Collection method: clinical testing. Allele origin: germline.

Labcorp Genetics (formerly Invitae), Labcorp
Classification: Uncertain significance for Neuronopathy, distal hereditary motor, type 7A; Congenital myasthenic syndrome 20. Last evaluated: 2021-11-24. Review status: criteria provided, single submitter. Criteria: Invitae Variant Classification Sherloc (09022015). Collection method: clinical testing. Allele origin: germline.
Comment: In summary, the available evidence is currently insufficient to determine the role of this variant in disease. Therefore, it has been classified as a Variant of Uncertain Significance. Algorithms developed to predict the effect of missense changes on protein structure and function are either unavailable or do not agree on the potential impact of this missense change (SIFT: "Deleterious"; PolyPhen-2: "Possibly Damaging"; Align-GVGD: "Class C0"). This variant has not been reported in the literature in individuals affected with SLC5A7-related conditions. This variant is present in population databases (no rsID available, gnomAD 0.01%). This sequence change replaces leucine, which is neutral and non-polar, with phenylalanine, which is neutral and non-polar, at codon 93 of the SLC5A7 protein (p.Leu93Phe).

NM_021815.5(SLC5A7):c.277C>T (p.Leu93Phe)

Gene: SLC5A7 (solute carrier family 5 member 7; plus strand). Cytogenetic location: 2q12.3.
Variant type: single nucleotide variant.
Coding change: c.277C>T on transcript NM_021815.5 (MANE Select); coding-DNA position 277, C replaced by T.
Protein change: p.Leu93Phe; replaces leucine 93 with phenylalanine.
Molecular consequence: missense variant. On other transcripts: 5 prime UTR variant (2).
Genome position (GRCh38, 1-based): chr2:107,992,204, C>T. VCF-style: chr2-107992204-C-T. GRCh37 (hg19) VCF-style: chr2-108608660-C-T.
Other names: c.277C>T (NM_021815.2); c.277C>T, p.Leu93Phe (NM_001305005.3); c.-39C>T (NM_001305006.3); c.-428C>T (NM_001305007.3); short protein forms L93F.
Identifiers: ClinVar variation 1410787 (VCV001410787.7), dbSNP rs1172822464, ClinGen allele CA348020611.